The following is an entry in ClinVar:

NM_001080517.3(SETD5):c.1448A>G (p.Asp483Gly)

Gene: SETD5 (SET domain containing 5; plus strand). Cytogenetic location: 3p25.3.
Variant type: single nucleotide variant.
Coding change: c.1448A>G on transcript NM_001080517.3 (MANE Select); coding-DNA position 1448, A replaced by G.
Protein change: p.Asp483Gly; replaces aspartic acid 483 with glycine.
Molecular consequence: missense variant.
Genome position (GRCh38, 1-based): chr3:9,445,664, A>G. VCF-style: chr3-9445664-A-G. GRCh37 (hg19) VCF-style: chr3-9487348-A-G.
Other names: c.1154A>G, p.Asp385Gly (NM_001292043.2, NM_001349451.2); short protein forms D385G, D483G.
Identifiers: ClinVar variation 2507250 (VCV002507250.1), dbSNP rs2472852977, ClinGen allele CA351693975.

ClinVar aggregate classification (germline): Uncertain significance (1 of 4 stars; one submission).

Submission:

GeneDx
Classification: Uncertain significance. Last evaluated: 2022-12-27. Review status: criteria provided, single submitter. Criteria: GeneDx Variant Classification Process June 2021. Collection method: clinical testing. Allele origin: germline. Affected: yes.
Comment: Has not been previously published as pathogenic or benign to our knowledge; Not observed at significant frequency in large population cohorts (gnomAD); In silico analysis supports that this missense variant does not alter protein structure/function; In silico analysis suggests this variant may impact gene splicing. In the absence of RNA/functional studies, the actual effect of this sequence change is unknown.